The following is an entry in ClinVar:

NM_000322.5(PRPH2):c.731A>G (p.Asn244Ser)

Gene: PRPH2 (peripherin 2; minus strand). Cytogenetic location: 6p21.1.
Variant type: single nucleotide variant.
Coding change: c.731A>G on transcript NM_000322.5 (MANE Select); coding-DNA position 731, A replaced by G.
Protein change: p.Asn244Ser; replaces asparagine 244 with serine.
Molecular consequence: missense variant.
Genome position (GRCh38, 1-based): chr6:42,704,462, T>C on the plus strand (A>G on the coding strand, the complement: PRPH2 is on the minus strand). VCF-style: chr6-42704462-T-C. GRCh37 (hg19) VCF-style: chr6-42672200-T-C.
Other names: short protein forms N244S.
Identifiers: ClinVar variation 940337 (VCV000940337.9), dbSNP rs1582764714, ClinGen allele CA364135067.
Genomic context (GRCh38, chr6:42,704,462, plus strand): 5'-GAGTTCATGAGGCTGCTGTAGTAGCTCAGCAGGGCAGCCCTGCAGCCACGCACCCACAGG[T>C]TGAGCTCCTCCGTCTGGTGGTCGTAACTGTAGTGTGCTGAGTTGTTGGTGATCTGATACT-3'
Protein context (NP_000313.2, residues 234-254): YSYDHQTEEL[Asn244Ser]LWVRGCRAAL

ClinVar aggregate classification (germline): Likely pathogenic (1 of 4 stars; one submission).

Conditions:
PRPH2-related disorder. Also called: PRPH2-related condition; PRPH2-related disorders. Identifiers: MedGen CN239395.

Allele frequency attached by ClinVar (database versions not stated): gnomAD exomes below 0.00001.

Submission:

Labcorp Genetics (formerly Invitae), Labcorp
Classification: Likely pathogenic for PRPH2-related disorder. Last evaluated: 2024-06-01. Review status: criteria provided, single submitter. Criteria: Invitae Variant Classification Sherloc (09022015). Collection method: clinical testing. Allele origin: germline.
Comment: This sequence change replaces asparagine, which is neutral and polar, with serine, which is neutral and polar, at codon 244 of the PRPH2 protein (p.Asn244Ser). This variant is not present in population databases (gnomAD no frequency). This missense change has been observed in individual(s) with PRPH2-related conditions (Invitae). ClinVar contains an entry for this variant (Variation ID: 940337). Advanced modeling of protein sequence and biophysical properties (such as structural, functional, and spatial information, amino acid conservation, physicochemical variation, residue mobility, and thermodynamic stability) performed at Invitae indicates that this missense variant is expected to disrupt PRPH2 protein function with a positive predictive value of 95%. This variant disrupts the p.Asn244 amino acid residue in PRPH2. Other variant(s) that disrupt this residue have been determined to be pathogenic (PMID: 7993211). This suggests that this residue is clinically significant, and that variants that disrupt this residue are likely to be disease-causing. In summary, the currently available evidence indicates that the variant is pathogenic, but additional data are needed to prove that conclusively. Therefore, this variant has been classified as Likely Pathogenic.

Literature cited by the submitters: PubMed 7993211.